The following is an entry in ClinVar:

ClinVar aggregate classification (germline): Uncertain significance (1 of 4 stars; one submission).

Submission:

Labcorp Genetics (formerly Invitae), Labcorp
Classification: Uncertain significance. Last evaluated: 2024-03-02. Review status: criteria provided, single submitter. Criteria: Invitae Variant Classification Sherloc (09022015). Collection method: clinical testing. Allele origin: germline.
Comment: This sequence change replaces proline, which is neutral and non-polar, with leucine, which is neutral and non-polar, at codon 746 of the GANAB protein (p.Pro746Leu). This variant is not present in population databases (gnomAD no frequency). This variant has not been reported in the literature in individuals affected with GANAB-related conditions. Advanced modeling of protein sequence and biophysical properties (such as structural, functional, and spatial information, amino acid conservation, physicochemical variation, residue mobility, and thermodynamic stability) has been performed at Invitae for this missense variant, however the output from this modeling did not meet the statistical confidence thresholds required to predict the impact of this variant on GANAB protein function. In summary, the available evidence is currently insufficient to determine the role of this variant in disease. Therefore, it has been classified as a Variant of Uncertain Significance.

NM_198334.3(GANAB):c.2171C>T (p.Pro724Leu)

Gene: GANAB (glucosidase II alpha subunit; minus strand). Cytogenetic location: 11q12.3.
Variant type: single nucleotide variant.
Coding change: c.2171C>T on transcript NM_198334.3 (MANE Select); coding-DNA position 2171, C replaced by T.
Protein change: p.Pro724Leu; replaces proline 724 with leucine.
Molecular consequence: missense variant.
Genome position (GRCh38, 1-based): chr11:62,628,778, G>A on the plus strand (C>T on the coding strand, the complement: GANAB is on the minus strand). VCF-style: chr11-62628778-G-A. GRCh37 (hg19) VCF-style: chr11-62396250-G-A.
Other names: c.1895C>T, p.Pro632Leu (NM_001278192.2); c.1829C>T, p.Pro610Leu (NM_001278193.2); c.1880C>T, p.Pro627Leu (NM_001278194.2, NM_001329222.2, NM_001329223.2); c.1448C>T, p.Pro483Leu (NM_001329224.2, NM_001329225.2); c.2237C>T, p.Pro746Leu (NM_198335.4); short protein forms P483L, P610L, P627L, P632L, P724L, P746L.
Identifiers: ClinVar variation 3620457 (VCV003620457.2).